The following is an entry in ClinVar:

ClinVar aggregate classification (germline): Likely benign (1 of 4 stars; one submission).

Conditions:
Retinitis pigmentosa (RP). Identifiers: Orphanet 791, MedGen C0035334, MeSH D012174, MONDO:0019200, OMIM 268000. Inheritance: Autosomal dominant, autosomal recessive and X linked inheritance.

Allele frequency attached by ClinVar (database versions not stated): gnomAD exomes 0.00877; gnomAD 0.01296 and 0.01420; TOPMed 0.01358; 1000 Genomes Project 30x 0.01733; 1000 Genomes Project 0.01777.
gnomAD v4.1: 2,187 of 152,478 alleles (1.4%); highest among the groups gnomAD compares: South Asian, 5.7%; 26 homozygotes.

Submission:

Illumina Laboratory Services, Illumina
Classification: Likely benign for Retinitis pigmentosa. Last evaluated: 2018-01-13. Review status: criteria provided, single submitter. Criteria: ICSL Variant Classification Criteria 13 December 2019. Collection method: clinical testing. Allele origin: germline.
Comment: This variant was observed in the ICSL laboratory as part of a predisposition screen in an ostensibly healthy population. It had not been previously curated by ICSL or reported in the Human Gene Mutation Database (HGMD: prior to June 1st, 2018), and was therefore a candidate for classification through an automated scoring system. Utilizing variant allele frequency, disease prevalence and penetrance estimates, and inheritance mode, an automated score was calculated to assess if this variant is too frequent to cause the disease. Based on the score and internal cut-off values, a variant classified as likely benign is not then subjected to further curation. The score for this variant resulted in a classification of likely benign for this disease.

NM_001029883.3(PCARE):c.*1748C>T

Gene: PCARE (photoreceptor cilium actin regulator; minus strand). Cytogenetic location: 2p23.2.
Variant type: single nucleotide variant.
Coding change: c.*1748C>T on transcript NM_001029883.3 (MANE Select); 1748 bases downstream of the stop codon, C replaced by T.
Molecular consequence: 3 prime UTR variant.
Genome position (GRCh38, 1-based): chr2:29,063,121, G>A on the plus strand (C>T on the coding strand, the complement: PCARE is on the minus strand). VCF-style: chr2-29063121-G-A. GRCh37 (hg19) VCF-style: chr2-29285987-G-A.
Identifiers: ClinVar variation 898820 (VCV000898820.4), dbSNP rs114193888, ClinGen allele CA44631994.